The following is an entry in ClinVar:

ClinVar aggregate classification (germline): Uncertain significance (1 of 4 stars; one submission).

Conditions:
Norman-Roberts syndrome (LIS2). Also called: Lissencephaly 2 (Norman-Roberts type). Identifiers: Orphanet 89844, MedGen C0796089, MONDO:0009760, OMIM 257320.
Familial temporal lobe epilepsy 7. Identifiers: Orphanet 101046, MedGen C4225327, MONDO:0014639, OMIM 616436.

Allele frequency attached by ClinVar (database versions not stated): gnomAD exomes below 0.00001.
gnomAD v4.1: 2 of 1,614,160 alleles (0.00012%); highest among the groups gnomAD compares: Non-Finnish European, 0.000085%; no homozygotes.

Submission:

Labcorp Genetics (formerly Invitae), Labcorp
Classification: Uncertain significance for Familial temporal lobe epilepsy 7; Norman-Roberts syndrome. Last evaluated: 2022-08-09. Review status: criteria provided, single submitter. Criteria: Invitae Variant Classification Sherloc (09022015). Collection method: clinical testing. Allele origin: germline.
Comment: In summary, the available evidence is currently insufficient to determine the role of this variant in disease. Therefore, it has been classified as a Variant of Uncertain Significance. Algorithms developed to predict the effect of missense changes on protein structure and function are either unavailable or do not agree on the potential impact of this missense change (SIFT: "Deleterious"; PolyPhen-2: "Probably Damaging"; Align-GVGD: "Class C0"). ClinVar contains an entry for this variant (Variation ID: 1485514). This variant has not been reported in the literature in individuals affected with RELN-related conditions. This variant is not present in population databases (gnomAD no frequency). This sequence change replaces alanine, which is neutral and non-polar, with serine, which is neutral and polar, at codon 3419 of the RELN protein (p.Ala3419Ser).

NM_005045.4(RELN):c.10255G>T (p.Ala3419Ser)

Genes: SLC26A5-AS1 (SLC26A5 antisense RNA 1; plus strand), RELN (reelin; minus strand). Cytogenetic location: 7q22.1.
Variant type: single nucleotide variant.
Coding change: c.10255G>T on transcript NM_005045.4 (MANE Select); coding-DNA position 10255, G replaced by T.
Protein change: p.Ala3419Ser; replaces alanine 3419 with serine.
Molecular consequence: missense variant.
Genome position (GRCh38, 1-based): chr7:103,482,898, C>A on the plus strand (G>T on the coding strand, the complement: RELN is on the minus strand). VCF-style: chr7-103482898-C-A. GRCh37 (hg19) VCF-style: chr7-103123345-C-A.
Other names: c.10255G>T, p.Ala3419Ser (NM_173054.3); short protein forms A3419S.
Identifiers: ClinVar variation 1485514 (VCV001485514.5), dbSNP rs2116975803, ClinGen allele CA368737337.